The following is an entry in ClinVar:

NM_181332.3(NLGN4X):c.542C>T (p.Thr181Ile)

Gene: NLGN4X (neuroligin 4 X-linked; minus strand). Cytogenetic location: Xp22.32.
Variant type: single nucleotide variant.
Coding change: c.542C>T on transcript NM_181332.3 (MANE Select); coding-DNA position 542, C replaced by T.
Protein change: p.Thr181Ile; replaces threonine 181 with isoleucine.
Molecular consequence: missense variant.
Genome position (GRCh38, 1-based): chrX:6,029,363, G>A on the plus strand (C>T on the coding strand, the complement: NLGN4X is on the minus strand). VCF-style: chrX-6029363-G-A. GRCh37 (hg19) VCF-style: chrX-5947404-G-A.
Other names: c.542C>T, p.Thr181Ile (NM_001282145.2, NM_001282146.2, NM_020742.4); short protein forms T181I.
Identifiers: ClinVar variation 2430058 (VCV002430058.27), dbSNP rs1016216590, ClinGen allele CA326320414.
Genomic context (GRCh38, chrX:6,029,363, plus strand): 5'-ATGGTGATCACGATGACGTTTCCGTAGCTTGCCAAAATGCTGCCGTCAATCATGTTGCCG[G>A]TGCCCTCCATGTAAGATCCCCCATGGATATAGACCATGACGGGCTTCTTACTGTTCTGAT-3'
Protein context (NP_851849.1, residues 171-191): YIHGGSYMEG[Thr181Ile]GNMIDGSILA

ClinVar aggregate classification (germline): Uncertain significance. Review status: criteria provided, multiple submitters, no conflicts (2 of 4 stars). 3 submissions from 3 submitters: Uncertain significance (3). Last evaluated 2023-10-01.

Conditions:
Autism spectrum disorder. Also called: Autism spectrum disorders. Identifiers: MedGen C1510586, MeSH D000067877, MONDO:0005258.

Allele frequency attached by ClinVar (database versions not stated): gnomAD exomes 0.00001.

Submissions (3):

CeGaT Center for Human Genetics Tuebingen
Classification: Uncertain significance. Last evaluated: 2023-10-01. Review status: criteria provided, single submitter. Criteria: CeGaT Center For Human Genetics Tuebingen Variant Classification Criteria Version 2. Collection method: clinical testing. Allele origin: germline. Affected: yes. Observed: 1 variant allele.
Comment: NLGN4X: PM2

Blueprint Genetics
Classification: Uncertain significance. Last evaluated: 2021-05-05. Review status: criteria provided, single submitter. Criteria: ACMG Guidelines, 2015. Collection method: clinical testing. Allele origin: germline.

Department of Genetics, Rouen University Hospital, Normandy Center for Genomic and Personalized Medicine
Classification: Uncertain significance for Autism spectrum disorder. Last evaluated: 2021-02-17. Review status: criteria provided, single submitter. Criteria: ACMG Guidelines, 2015. Collection method: clinical testing. Allele origin: maternal. Affected: yes.